The following is an entry in ClinVar:

NM_000059.4(BRCA2):c.826_829del (p.Val276fs)

Gene: BRCA2 (BRCA2 DNA repair associated; plus strand). Cytogenetic location: 13q13.1.
Variant type: Deletion.
Coding change: c.826_829del on transcript NM_000059.4 (MANE Select); coding-DNA positions 826 to 829, 4 bases deleted (GTAA; older notation c.826_829delGTAA).
Protein change: p.Val276fs; shifts the reading frame from valine 276.
Molecular consequence: frameshift variant. On other transcripts: non-coding transcript variant (1), intron variant (1).
Genome position (GRCh38, 1-based): chr13:32,332,304-32,332,307, GTAA deleted; deleting any 4 consecutive bases within chr13:32,332,302-32,332,307 gives the same sequence; the c. name uses the placement nearest the transcript's 3' end. VCF-style (leftmost placement, unchanged base first): chr13-32332301-AAAGT-A. GRCh37 (hg19) VCF-style: chr13-32906438-AAAGT-A.
Other names: c.826_829del, p.Val276fs (NM_001406719.1, NM_001406720.1, NM_001406721.1 and 1 more transcripts); c.424+1274_424+1277del (NM_001406722.1); short protein forms V276fs.
Identifiers: ClinVar variation 3482129 (VCV003482129.3).

ClinVar aggregate classification (germline): Pathogenic. Review status: criteria provided, multiple submitters, no conflicts (2 of 4 stars). 2 submissions from 2 submitters: Pathogenic (2). Last evaluated 2024-10-11.

Conditions:
Hereditary cancer-predisposing syndrome. Also called: Tumor predisposition; Neoplastic Syndromes, Hereditary; Hereditary Cancer Syndrome; Hereditary neoplastic syndrome. Identifiers: Orphanet 140162, MedGen C0027672, MeSH D009386, MONDO:0015356.
Hereditary breast ovarian cancer syndrome. Also called: Hereditary breast and ovarian cancer; Breast and ovarian cancer; Hereditary breast and/or ovarian cancer syndrome; Hereditary breast and ovarian cancer syndrome; BRCA1- and BRCA2-Associated Hereditary Breast and Ovarian Cancer; Hereditary breast and ovarian cancer syndrome (HBOC). Identifiers: Orphanet 145, MedGen C0677776, MeSH D061325, MONDO:0003582. Disease mechanism: loss of function.

Submissions (2):

Ambry Genetics
Classification: Pathogenic for Hereditary cancer-predisposing syndrome. Last evaluated: 2024-10-11. Review status: criteria provided, single submitter. Criteria: Ambry Variant Classification Scheme 2023. Collection method: clinical testing. Allele origin: germline.
Comment: The c.826_829delGTAA pathogenic mutation, located in coding exon 9 of the BRCA2 gene, results from a deletion of 4 nucleotides at nucleotide positions 826 to 829, causing a translational frameshift with a predicted alternate stop codon (p.V276Ifs*15). This variant is considered to be rare based on population cohorts in the Genome Aggregation Database (gnomAD). This alteration is expected to result in loss of function by premature protein truncation or nonsense-mediated mRNA decay. As such, this alteration is interpreted as a disease-causing mutation.

Labcorp Genetics (formerly Invitae), Labcorp
Classification: Pathogenic for Hereditary breast ovarian cancer syndrome. Last evaluated: 2024-08-10. Review status: criteria provided, single submitter. Criteria: Invitae Variant Classification Sherloc (09022015). Collection method: clinical testing. Allele origin: germline.
Comment: This sequence change creates a premature translational stop signal (p.Val276Ilefs*15) in the BRCA2 gene. It is expected to result in an absent or disrupted protein product. Loss-of-function variants in BRCA2 are known to be pathogenic (PMID: 20104584). This variant is not present in population databases (gnomAD no frequency). This variant has not been reported in the literature in individuals affected with BRCA2-related conditions. For these reasons, this variant has been classified as Pathogenic.

Literature cited by the submitters: PubMed 20104584 (cited by Labcorp Genetics (formerly Invitae), Labcorp).